The following is an entry in ClinVar:

ClinVar aggregate classification (germline): Uncertain significance (1 of 4 stars; one submission).

Conditions:
Microphthalmia with brain and digit anomalies (MCOPS6). Also called: Microphthalmia, syndromic 6; MICROPHTHALMIA AND PITUITARY ANOMALIES. Identifiers: Orphanet 139471, MedGen C1864689, MONDO:0011936, OMIM 607932.
Orofacial cleft 11 (OFC11). Also called: CLEFT LIP WITH OR WITHOUT CLEFT PALATE, NONSYNDROMIC, 11; Orofacial cleft 11; ofc11. Identifiers: MedGen C2677434, MONDO:0010906, OMIM 600625.

Submission:

Labcorp Genetics (formerly Invitae), Labcorp
Classification: Uncertain significance for Microphthalmia with brain and digit anomalies; Orofacial cleft 11. Last evaluated: 2025-07-13. Review status: criteria provided, single submitter. Criteria: Invitae Variant Classification Sherloc (09022015). Collection method: clinical testing. Allele origin: germline.
Comment: This sequence change replaces histidine, which is basic and polar, with glutamine, which is neutral and polar, at codon 51 of the BMP4 protein (p.His51Gln). This variant is not present in population databases (gnomAD no frequency). This variant has not been reported in the literature in individuals affected with BMP4-related conditions. ClinVar contains an entry for this variant (Variation ID: 1429870). An algorithm developed to predict the effect of missense changes on protein structure and function (PolyPhen-2) suggests that this variant is likely to be tolerated. In summary, the available evidence is currently insufficient to determine the role of this variant in disease. Therefore, it has been classified as a Variant of Uncertain Significance.

NM_001202.6(BMP4):c.153T>G (p.His51Gln)

Gene: BMP4 (bone morphogenetic protein 4; minus strand). Cytogenetic location: 14q22.2.
Variant type: single nucleotide variant.
Coding change: c.153T>G on transcript NM_001202.6 (MANE Select); coding-DNA position 153, T replaced by G.
Protein change: p.His51Gln; replaces histidine 51 with glutamine.
Molecular consequence: missense variant. On other transcripts: 5 prime UTR variant (3).
Genome position (GRCh38, 1-based): chr14:53,952,070, A>C on the plus strand (T>G on the coding strand, the complement: BMP4 is on the minus strand). VCF-style: chr14-53952070-A-C. GRCh37 (hg19) VCF-style: chr14-54418788-A-C.
Other names: c.294T>G, p.His98Gln (NM_001347912.1); c.-37T>G (NM_001347913.2, NM_001347915.2, NM_001347917.1); c.153T>G, p.His51Gln (NM_001347914.2, NM_001347916.1, NM_130850.5 and 1 more transcripts); short protein forms H51Q, H98Q.
Identifiers: ClinVar variation 1429870 (VCV001429870.6), dbSNP rs950786038, ClinGen allele CA261472787.